The following is an entry in ClinVar:

NM_014679.5(CEP57):c.1255C>T (p.Arg419Ter)

Gene: CEP57 (centrosomal protein 57; plus strand). Cytogenetic location: 11q21.
Variant type: single nucleotide variant.
Coding change: c.1255C>T on transcript NM_014679.5 (MANE Select); coding-DNA position 1255, C replaced by T.
Protein change: p.Arg419Ter; replaces arginine 419 with a stop codon.
Molecular consequence: nonsense.
Genome position (GRCh38, 1-based): chr11:95,829,314, C>T. VCF-style: chr11-95829314-C-T. GRCh37 (hg19) VCF-style: chr11-95562478-C-T.
Other names: c.1228C>T, p.Arg410Ter (NM_001243776.2); c.1177C>T, p.Arg393Ter (NM_001243777.2); c.1174C>T, p.Arg392Ter (NM_001363604.2); short protein forms R419*, R392*, R393*, R410*.
Identifiers: ClinVar variation 2859182 (VCV002859182.3), dbSNP rs1565335443, ClinGen allele CA382408968.
Genomic context (GRCh38, chr11:95,829,314, plus strand): 5'-TGTGAATTGGAGGCATTAGTGGGAAGGATGGAAGCAAAAGCCAACCAAATAACTAAAGTT[C>T]GAAAATACCAAGCCCAGGTAACTCAGTTTTCCTTCACTCAAGTTTCTAATGATTAAGAAA-3'

ClinVar aggregate classification (germline): Uncertain significance (1 of 4 stars; one submission).

Conditions:
Mosaic variegated aneuploidy syndrome 2 (MVA2). Identifiers: Orphanet 1052, MedGen C3279843, MONDO:0013582, OMIM 614114.

Allele frequency attached by ClinVar (database versions not stated): TOPMed below 0.00001.

Submission:

Labcorp Genetics (formerly Invitae), Labcorp
Classification: Uncertain significance for Mosaic variegated aneuploidy syndrome 2. Last evaluated: 2023-06-19. Review status: criteria provided, single submitter. Criteria: Invitae Variant Classification Sherloc (09022015). Collection method: clinical testing. Allele origin: germline.
Comment: This sequence change creates a premature translational stop signal (p.Arg419*) in the CEP57 gene. While this is not anticipated to result in nonsense mediated decay, it is expected to disrupt the last 82 amino acid(s) of the CEP57 protein. This variant is not present in population databases (gnomAD no frequency). This variant has not been reported in the literature in individuals affected with CEP57-related conditions. Experimental studies and prediction algorithms are not available or were not evaluated, and the functional significance of this variant is currently unknown. In summary, the available evidence is currently insufficient to determine the role of this variant in disease. Therefore, it has been classified as a Variant of Uncertain Significance.